The following is an entry in ClinVar:

ClinVar aggregate classification (germline): Pathogenic (1 of 4 stars; one submission).

Conditions:
Thrombophilia due to protein S deficiency, autosomal recessive (THPH6). Identifiers: Orphanet 743, MedGen C3281092, MONDO:0013791, OMIM 614514. Disease mechanism: loss of function.

Submission:

Labcorp Genetics (formerly Invitae), Labcorp
Classification: Pathogenic for Thrombophilia due to protein S deficiency, autosomal recessive. Last evaluated: 2024-01-01. Review status: criteria provided, single submitter. Criteria: Invitae Variant Classification Sherloc (09022015). Collection method: clinical testing. Allele origin: unknown.
Comment: This variant is a gross deletion of the genomic region encompassing exon(s) 13 of the PROS1 gene. This deletion is out-of-frame, and is expected to create a premature termination codon and result in an absent or disrupted protein product. Loss-of-function variants in PROS1 are known to be pathogenic (PMID: 9241758). A similar copy number variant has been observed in individual(s) with protein S deficiency (PMID: 1671337). For these reasons, this variant has been classified as Pathogenic.

Literature cited by the submitters: PubMed 9241758; PubMed 1671337.

NC_000003.11:g.(?_93597987)_(93598178_?)del

Gene: PROS1 (protein S; minus strand). Cytogenetic location: 3q11.1.
Variant type: Deletion.
Identifiers: ClinVar variation 3246922 (VCV003246922.1).